The following is an entry in ClinVar:

ClinVar aggregate classification (germline): Pathogenic. Review status: criteria provided, multiple submitters, no conflicts (2 of 4 stars). 4 submissions from 4 submitters: Pathogenic (4). Last evaluated 2024-12-21.

Conditions:
Neurofibromatosis, type 1 (NF1). Also called: VON RECKLINGHAUSEN DISEASE; NEUROFIBROMATOSIS, TYPE I, SOMATIC; Peripheral type neurofibromatosis; Neurofibromatosis, type I. Identifiers: Orphanet 636, MedGen C0027831, MONDO:0018975, OMIM 162200. Disease mechanism: loss of function.

Allele frequency attached by ClinVar (database versions not stated): TOPMed below 0.00001; gnomAD 0.00001.

Submissions (4):

GeneDx
Classification: Pathogenic. Last evaluated: 2024-12-21. Review status: criteria provided, single submitter. Criteria: GeneDx Variant Classification Process June 2021. Collection method: clinical testing. Allele origin: germline. Affected: yes.
Comment: Nonsense variant predicted to result in protein truncation or nonsense mediated decay in a gene for which loss-of-function is a known mechanism of disease; Not observed at significant frequency in large population cohorts (gnomAD); This variant is associated with the following publications: (PMID: 25525159, 23913538, 29338072, 23758643, 10712197, 16944272)

Labcorp Genetics (formerly Invitae), Labcorp
Classification: Pathogenic for Neurofibromatosis, type 1. Last evaluated: 2023-10-18. Review status: criteria provided, single submitter. Criteria: Invitae Variant Classification Sherloc (09022015). Collection method: clinical testing. Allele origin: germline.
Comment: This sequence change creates a premature translational stop signal (p.Trp837*) in the NF1 gene. It is expected to result in an absent or disrupted protein product. Loss-of-function variants in NF1 are known to be pathogenic (PMID: 10712197, 23913538). This variant is not present in population databases (gnomAD no frequency). This premature translational stop signal has been observed in individual(s) with neurofibromatosis type 1 (PMID: 16944272). ClinVar contains an entry for this variant (Variation ID: 561498). For these reasons, this variant has been classified as Pathogenic.

Institute of Medical Genetics and Applied Genomics, University Hospital Tübingen
Classification: Pathogenic for Neurofibromatosis, type 1. Last evaluated: 2023-03-10. Review status: criteria provided, single submitter. Criteria: ACMG Guidelines, 2015. Collection method: clinical testing. Allele origin: germline. Inheritance: Autosomal dominant inheritance. Affected: yes.

Genome-Nilou Lab
Classification: Pathogenic for Neurofibromatosis, type 1. Last evaluated: 2022-03-15. Review status: criteria provided, single submitter. Criteria: ACMG Guidelines, 2015. Collection method: clinical testing. Allele origin: germline. Affected: no.

Literature cited by the submitters: PubMed 10712197 (cited by Labcorp Genetics (formerly Invitae), Labcorp); PubMed 23913538 (cited by Labcorp Genetics (formerly Invitae), Labcorp); PubMed 16944272 (cited by Labcorp Genetics (formerly Invitae), Labcorp).

NM_001042492.3(NF1):c.2510G>A (p.Trp837Ter)

Gene: NF1 (neurofibromin 1; plus strand). Cytogenetic location: 17q11.2.
Variant type: single nucleotide variant.
Coding change: c.2510G>A on transcript NM_001042492.3 (MANE Select); coding-DNA position 2510, G replaced by A.
Protein change: p.Trp837Ter; replaces tryptophan 837 with a stop codon.
Molecular consequence: nonsense.
Genome position (GRCh38, 1-based): chr17:31,229,125, G>A. VCF-style: chr17-31229125-G-A. GRCh37 (hg19) VCF-style: chr17-29556143-G-A.
Other names: c.2510G>A, p.Trp837Ter (NM_000267.4); short protein forms W837*.
Identifiers: ClinVar variation 561498 (VCV000561498.12), dbSNP rs1348129244, ClinGen allele CA398984133.